The following is an entry in ClinVar:

ClinVar aggregate classification (germline): Likely pathogenic (1 of 4 stars; one submission).

Conditions:
Nephronophthisis. Also called: Juvenile Nephronophthisis. Identifiers: Orphanet 655, MedGen C0687120, MONDO:0019005, HP:0000090.

Allele frequency attached by ClinVar (database versions not stated): TOPMed 0.00001; gnomAD 0.00002; ESP Exome Variant Server 0.00008.
gnomAD v4.1: 3 of 1,612,782 alleles (0.00019%); highest among the groups gnomAD compares: African/African-American, 0.004%; no homozygotes.

Submission:

Labcorp Genetics (formerly Invitae), Labcorp
Classification: Likely pathogenic for Nephronophthisis. Last evaluated: 2022-08-27. Review status: criteria provided, single submitter. Criteria: Invitae Variant Classification Sherloc (09022015). Collection method: clinical testing. Allele origin: germline.
Comment: In summary, the currently available evidence indicates that the variant is pathogenic, but additional data are needed to prove that conclusively. Therefore, this variant has been classified as Likely Pathogenic. Algorithms developed to predict the effect of sequence changes on RNA splicing suggest that this variant may disrupt the consensus splice site. This variant has not been reported in the literature in individuals affected with NPHP1-related conditions. This variant is not present in population databases (gnomAD no frequency). This sequence change affects an acceptor splice site in intron 18 of the NPHP1 gene. It is expected to disrupt RNA splicing. Variants that disrupt the donor or acceptor splice site typically lead to a loss of protein function (PMID: 16199547), and loss-of-function variants in NPHP1 are known to be pathogenic (PMID: 23559409).

Literature cited by the submitters: PubMed 16199547; PubMed 23559409.

NM_001128178.3(NPHP1):c.1717-1G>T

Gene: NPHP1 (nephrocystin 1; minus strand). Cytogenetic location: 2q13.
Variant type: single nucleotide variant.
Coding change: c.1717-1G>T on transcript NM_001128178.3 (MANE Select); the canonical splice acceptor site of the intron before coding-DNA position 1717, G replaced by T.
Molecular consequence: splice acceptor variant.
Genome position (GRCh38, 1-based): chr2:110,125,682, C>A on the plus strand (G>T on the coding strand, the complement: NPHP1 is on the minus strand). VCF-style: chr2-110125682-C-A. GRCh37 (hg19) VCF-style: chr2-110883259-C-A.
Other names: c.1528-1G>T (NM_001128179.3); c.1714-1G>T (NM_001374256.1); c.1717-1G>T (NM_001374257.1); c.1882-1G>T (NM_207181.4); c.1885-1G>T (NM_000272.5).
Identifiers: ClinVar variation 1900085 (VCV001900085.5), dbSNP rs370205671, ClinGen allele CA53521659.